The following is an entry in ClinVar:

NM_006514.4(SCN10A):c.243T>A (p.Asp81Glu)

Gene: SCN10A (sodium voltage-gated channel alpha subunit 10; minus strand). Cytogenetic location: 3p22.2.
Variant type: single nucleotide variant.
Coding change: c.243T>A on transcript NM_006514.4 (MANE Select); coding-DNA position 243, T replaced by A.
Protein change: p.Asp81Glu; replaces aspartic acid 81 with glutamic acid.
Molecular consequence: missense variant.
Genome position (GRCh38, 1-based): chr3:38,793,768, A>T on the plus strand (T>A on the coding strand, the complement: SCN10A is on the minus strand). VCF-style: chr3-38793768-A-T. GRCh37 (hg19) VCF-style: chr3-38835259-A-T.
Other names: c.243T>A, p.Asp81Glu (NM_001293306.2, NM_001293307.2); short protein forms D81E.
Identifiers: ClinVar variation 407755 (VCV000407755.9), dbSNP rs1060501717, ClinGen allele CA16611303.

ClinVar aggregate classification (germline): Uncertain significance. Review status: criteria provided, multiple submitters, no conflicts (2 of 4 stars). 2 submissions from 2 submitters: Uncertain significance (2). Last evaluated 2018-08-30.

Conditions:
Brugada syndrome. Also called: Sudden unexplained nocturnal death syndrome; Sudden unexpected nocturnal death syndrome; Sudden Unexplained Death Syndrome; Sudden Unexplained Nocturnal Death Syndrome (SUNDS). Identifiers: Orphanet 130, MedGen C1142166, MONDO:0015263.

Allele frequency attached by ClinVar (database versions not stated): gnomAD exomes below 0.00001.
gnomAD v4.1: 1 of 1,613,744 alleles (0.000062%); highest among the groups gnomAD compares: Non-Finnish European, 0.000085%; no homozygotes.

Submissions (2):

Labcorp Genetics (formerly Invitae), Labcorp
Classification: Uncertain significance for Brugada syndrome. Last evaluated: 2018-08-30. Review status: criteria provided, single submitter. Criteria: Invitae Variant Classification Sherloc (09022015). Collection method: clinical testing. Allele origin: germline.
Comment: This sequence change replaces aspartic acid with glutamic acid at codon 81 of the SCN10A protein (p.Asp81Glu). The aspartic acid residue is highly conserved and there is a small physicochemical difference between aspartic acid and glutamic acid. This variant is not present in population databases (ExAC no frequency) and has not been reported in the literature in individuals with a SCN10A-related disease. Algorithms developed to predict the effect of missense changes on protein structure and function (SIFT, PolyPhen-2, Align-GVGD) all suggest that this variant is likely to be disruptive, but these predictions have not been confirmed by published functional studies. In summary, this variant is a novel missense change with uncertain impact on protein function. It has been classified as a Variant of Uncertain Significance.

Stanford Center for Inherited Cardiovascular Disease, Stanford University
Classification: Uncertain significance. Last evaluated: 2016-11-02. Review status: criteria provided, single submitter. Criteria: ACMG Guidelines, 2015. Collection method: provider interpretation. Allele origin: germline.